The following is an entry in ClinVar:

NM_015662.3(IFT172):c.2043_2044del (p.Phe681fs)

Gene: IFT172 (intraflagellar transport 172; minus strand). Cytogenetic location: 2p23.3.
Variant type: Deletion.
Coding change: c.2043_2044del on transcript NM_015662.3 (MANE Select); coding-DNA positions 2043 to 2044, 2 bases deleted (TT; older notation c.2043_2044delTT).
Protein change: p.Phe681fs; shifts the reading frame from phenylalanine 681.
Molecular consequence: frameshift variant.
Genome position (GRCh38, 1-based): chr2:27,462,772-27,462,773, AA deleted on the plus strand (TT on the coding strand, the reverse complement: IFT172 is on the minus strand); deleting any 2 consecutive bases within chr2:27,462,772-27,462,775 gives the same sequence; the c. name uses the placement nearest the transcript's 3' end. VCF-style (leftmost placement, unchanged base first): chr2-27462771-TAA-T. GRCh37 (hg19) VCF-style: chr2-27685638-TAA-T.
Other names: c.1977_1978del, p.Phe659fs (NM_001410739.1); short protein forms F659fs, F681fs.
Identifiers: ClinVar variation 3748123 (VCV003748123.2).

ClinVar aggregate classification (germline): Pathogenic (1 of 4 stars; one submission).

Conditions:
Short-rib thoracic dysplasia 10 with or without polydactyly (SRTD10). Identifiers: Orphanet 474, MedGen C3810175, MONDO:0014284, OMIM 615630.
Retinitis pigmentosa 71 (RP71). Identifiers: Orphanet 791, MedGen C4225342, MONDO:0014618, OMIM 616394.

Submission:

Labcorp Genetics (formerly Invitae), Labcorp
Classification: Pathogenic for Retinitis pigmentosa 71; Short-rib thoracic dysplasia 10 with or without polydactyly. Last evaluated: 2024-08-23. Review status: criteria provided, single submitter. Criteria: Invitae Variant Classification Sherloc (09022015). Collection method: clinical testing. Allele origin: germline.
Comment: This sequence change creates a premature translational stop signal (p.Phe681Leufs*18) in the IFT172 gene. It is expected to result in an absent or disrupted protein product. Loss-of-function variants in IFT172 are known to be pathogenic (PMID: 24140113). This variant is present in population databases (rs773189869, gnomAD 0.003%). This variant has not been reported in the literature in individuals affected with IFT172-related conditions. For these reasons, this variant has been classified as Pathogenic.

Literature cited by the submitters: PubMed 24140113.